The following is an entry in ClinVar:

NM_152328.5(ADSS1):c.709T>C (p.Tyr237His)

Gene: ADSS1 (adenylosuccinate synthase 1; plus strand). Cytogenetic location: 14q32.33.
Variant type: single nucleotide variant.
Coding change: c.709T>C on transcript NM_152328.5 (MANE Select); coding-DNA position 709, T replaced by C.
Protein change: p.Tyr237His; replaces tyrosine 237 with histidine.
Molecular consequence: missense variant.
Genome position (GRCh38, 1-based): chr14:104,741,159, T>C. VCF-style: chr14-104741159-T-C. GRCh37 (hg19) VCF-style: chr14-105207496-T-C.
Other names: c.838T>C (NM_199165.1); c.94T>C, p.Tyr32His (NM_001320424.1); c.838T>C, p.Tyr280His (NM_199165.2); short protein forms Y237H, Y280H, Y32H.
Identifiers: ClinVar variation 1681958 (VCV001681958.7), dbSNP rs755766738, ClinGen allele CA7373818.

ClinVar aggregate classification (germline): Uncertain significance. Review status: criteria provided, multiple submitters, no conflicts (2 of 4 stars). 3 submissions from 3 submitters: Uncertain significance (3). Last evaluated 2024-06-03.

Conditions:
Myopathy, distal, 5 (MPD5). Also called: Adenylosuccinate synthetase-like 1-related distal myopathy. Identifiers: Orphanet 482601, MedGen C5567521, MONDO:0014877, OMIM 617030.
Inborn genetic diseases. Identifiers: MedGen C0950123, MeSH D030342.

Allele frequency attached by ClinVar (database versions not stated): gnomAD exomes 0.00004 and 0.00008; ExAC 0.00006; gnomAD 0.00011; TOPMed 0.00015.
gnomAD v4.1: 130 of 1,612,048 alleles (0.0081%); highest among the groups gnomAD compares: Admixed American, 0.02%; no homozygotes.

Submissions (3):

Ambry Genetics
Classification: Uncertain significance for Inborn genetic diseases. Last evaluated: 2024-06-03. Review status: criteria provided, single submitter. Criteria: Ambry Variant Classification Scheme 2023. Collection method: clinical testing. Allele origin: germline.

Labcorp Genetics (formerly Invitae), Labcorp
Classification: Uncertain significance. Last evaluated: 2022-10-17. Review status: criteria provided, single submitter. Criteria: Invitae Variant Classification Sherloc (09022015). Collection method: clinical testing. Allele origin: germline.
Comment: This sequence change replaces tyrosine, which is neutral and polar, with histidine, which is basic and polar, at codon 280 of the ADSSL1 protein (p.Tyr280His). This variant is present in population databases (rs755766738, gnomAD 0.009%). This variant has not been reported in the literature in individuals affected with ADSSL1-related conditions. ClinVar contains an entry for this variant (Variation ID: 1681958). Algorithms developed to predict the effect of missense changes on protein structure and function output the following: SIFT: "Not Available"; PolyPhen-2: "Benign"; Align-GVGD: "Not Available". The histidine amino acid residue is found in multiple mammalian species, which suggests that this missense change does not adversely affect protein function. In summary, the available evidence is currently insufficient to determine the role of this variant in disease. Therefore, it has been classified as a Variant of Uncertain Significance.

Revvity Omics, Revvity
Classification: Uncertain significance for Myopathy, distal, 5. Last evaluated: 2019-11-24. Review status: criteria provided, single submitter. Criteria: ACMG Guidelines, 2015. Collection method: clinical testing. Allele origin: germline.